The following is an entry in ClinVar:

NM_030780.5(SLC25A32):c.578C>T (p.Thr193Ile)

Gene: SLC25A32 (solute carrier family 25 member 32; minus strand). Cytogenetic location: 8q22.3.
Variant type: single nucleotide variant.
Coding change: c.578C>T on transcript NM_030780.5 (MANE Select); coding-DNA position 578, C replaced by T.
Protein change: p.Thr193Ile; replaces threonine 193 with isoleucine.
Molecular consequence: missense variant. On other transcripts: non-coding transcript variant (2).
Genome position (GRCh38, 1-based): chr8:103,402,029, G>A on the plus strand (C>T on the coding strand, the complement: SLC25A32 is on the minus strand). VCF-style: chr8-103402029-G-A. GRCh37 (hg19) VCF-style: chr8-104414257-G-A.
Other names: short protein forms T193I.
Identifiers: ClinVar variation 1954250 (VCV001954250.5), dbSNP rs1816229056, ClinGen allele CA371623409.

ClinVar aggregate classification (germline): Uncertain significance (1 of 4 stars; one submission).

Allele frequency attached by ClinVar (database versions not stated): gnomAD exomes below 0.00001.

Submission:

Labcorp Genetics (formerly Invitae), Labcorp
Classification: Uncertain significance. Last evaluated: 2025-09-03. Review status: criteria provided, single submitter. Criteria: Invitae Variant Classification Sherloc (09022015). Collection method: clinical testing. Allele origin: germline.
Comment: This sequence change replaces threonine, which is neutral and polar, with isoleucine, which is neutral and non-polar, at codon 193 of the SLC25A32 protein (p.Thr193Ile). This variant is not present in population databases (gnomAD no frequency). This variant has not been reported in the literature in individuals affected with SLC25A32-related conditions. ClinVar contains an entry for this variant (Variation ID: 1954250). Invitae Evidence Modeling of protein sequence and biophysical properties (such as structural, functional, and spatial information, amino acid conservation, physicochemical variation, residue mobility, and thermodynamic stability) indicates that this missense variant is not expected to disrupt SLC25A32 protein function with a negative predictive value of 80%. In summary, the available evidence is currently insufficient to determine the role of this variant in disease. Therefore, it has been classified as a Variant of Uncertain Significance.